The following is an entry in ClinVar:

ClinVar aggregate classification (germline): Likely benign (1 of 4 stars; one submission).

Conditions:
Familial cancer of breast. Also called: hereditary breast carcinoma; Hereditary breast cancer; BREAST CANCER, FAMILIAL. Identifiers: Orphanet 227535, MedGen C0346153, MONDO:0016419, OMIM 114480. Disease mechanism: loss of function.

Submission:

Myriad Genetics, Inc.
Classification: Likely benign for Familial cancer of breast. Last evaluated: 2024-08-09. Review status: criteria provided, single submitter. Criteria: Myriad Autosomal Dominant, Autosomal Recessive and X-Linked Classification Criteria (2023). Collection method: clinical testing. Allele origin: unknown.
Comment: This variant is considered likely benign. This variant is intronic and is not expected to impact mRNA splicing.

NM_032043.3(BRIP1):c.205+10_205+11del

Gene: BRIP1 (BRCA1 interacting DNA helicase 1; minus strand). Cytogenetic location: 17q23.2.
Variant type: Deletion.
Coding change: c.205+10_205+11del on transcript NM_032043.3 (MANE Select); bases 10 to 11 of the intron after coding-DNA position 205, 2 bases deleted (TG; older notation c.205+10_205+11delTG).
Molecular consequence: intron variant.
Genome position (GRCh38, 1-based): chr17:61,859,785-61,859,786, CA deleted on the plus strand (TG on the coding strand, the reverse complement: BRIP1 is on the minus strand). VCF-style (leftmost placement, unchanged base first): chr17-61859784-GCA-G. GRCh37 (hg19) VCF-style: chr17-59937145-GCA-G.
Identifiers: ClinVar variation 3379152 (VCV003379152.1).